The following is an entry in ClinVar:

ClinVar aggregate classification (germline): Benign (1 of 4 stars; one submission).

Conditions:
Hereditary leiomyomatosis and renal cell cancer. Also called: MULTIPLE CUTANEOUS AND UTERINE LEIOMYOMATA 1, WITH OR WITHOUT RENAL CELL CARCINOMA; LEIOMYOMA, MULTIPLE CUTANEOUS; FH tumor predisposition syndrome; Reed syndrome; Multiple cutaneous and uterine leiomyomatosis; Cutaneous leiomyomata with uterine leiomyomata. Identifiers: Orphanet 523, MedGen C1708350, MONDO:0007888, OMIM 150800, HP:0007437. Disease mechanism: loss of function.

Submission:

Myriad Genetics, Inc.
Classification: Benign for Hereditary leiomyomatosis and renal cell cancer. Last evaluated: 2024-10-18. Review status: criteria provided, single submitter. Criteria: Myriad Autosomal Dominant, Autosomal Recessive and X-Linked Classification Criteria (2023). Collection method: clinical testing. Allele origin: unknown.
Comment: This variant is considered benign. This variant is a silent/synonymous amino acid change and it is not expected to impact splicing.

NM_000143.4(FH):c.945G>A (p.Leu315=)

Gene: FH (fumarate hydratase; minus strand). Cytogenetic location: 1q43.
Variant type: single nucleotide variant.
Coding change: c.945G>A on transcript NM_000143.4 (MANE Select); coding-DNA position 945, G replaced by A.
Protein change: p.Leu315=; no amino-acid change (leucine 315 retained).
Molecular consequence: synonymous variant.
Genome position (GRCh38, 1-based): chr1:241,504,205, C>T on the plus strand (G>A on the coding strand, the complement: FH is on the minus strand). VCF-style: chr1-241504205-C-T. GRCh37 (hg19) VCF-style: chr1-241667505-C-T.
Identifiers: ClinVar variation 3773079 (VCV003773079.1).